The following is an entry in ClinVar:

ClinVar aggregate classification (germline): Pathogenic (1 of 4 stars; one submission).

Conditions:
Hereditary cancer-predisposing syndrome. Also called: Hereditary neoplastic syndrome; Neoplastic Syndromes, Hereditary; Tumor predisposition; Hereditary Cancer Syndrome. Identifiers: Orphanet 140162, MedGen C0027672, MeSH D009386, MONDO:0015356.

Submission:

Ambry Genetics
Classification: Pathogenic for Hereditary cancer-predisposing syndrome. Last evaluated: 2025-02-07. Review status: criteria provided, single submitter. Criteria: Ambry Variant Classification Scheme 2023. Collection method: clinical testing. Allele origin: germline.
Comment: The c.1198_1199delGAinsCTTCAT pathogenic mutation, located in coding exon 8 of the BRIP1 gene, results from the deletion of two nucleotides and insertion of 6 nucleotides causing a translational frameshift with a predicted alternate stop codon (p.D400Lfs*23). This variant is considered to be rare based on population cohorts in the Genome Aggregation Database (gnomAD). This alteration is expected to result in loss of function by premature protein truncation or nonsense-mediated mRNA decay. As such, this alteration is interpreted as a disease-causing mutation.

NM_032043.3(BRIP1):c.1198_1199delinsCTTCAT (p.Asp400fs)

Gene: BRIP1 (BRCA1 interacting DNA helicase 1; minus strand). Cytogenetic location: 17q23.2.
Variant type: Indel.
Coding change: c.1198_1199delinsCTTCAT on transcript NM_032043.3 (MANE Select); coding-DNA positions 1198 to 1199, GA replaced by CTTCAT.
Protein change: p.Asp400fs; shifts the reading frame from aspartic acid 400.
Molecular consequence: frameshift variant.
Genome position (GRCh38, 1-based): chr17:61,799,241-61,799,242, TC replaced by ATGAAG on the plus strand (GA replaced by CTTCAT on the coding strand, the reverse complement: BRIP1 is on the minus strand). VCF-style: chr17-61799241-TC-ATGAAG. GRCh37 (hg19) VCF-style: chr17-59876602-TC-ATGAAG.
Other names: short protein forms D400fs.
Identifiers: ClinVar variation 3825680 (VCV003825680.1).
Genomic context (GRCh38, chr17:61,799,241, plus strand): 5'-TCCCGAGCAAACCGAAGCTGAACTTCTGTTACACTGTAACTTGCTGATTCCCGAGCACAG[TC>ATGAAG]CTCGATGTTATGAGCTTCATCTAAAATGACAACCTGTTCTTTCAGATTTAAATCCATCTA-3'